The following is an entry in ClinVar:

NM_000360.4(TH):c.1440G>T (p.Glu480Asp)

Gene: TH (tyrosine hydroxylase; minus strand). Cytogenetic location: 11p15.5.
Variant type: single nucleotide variant.
Coding change: c.1440G>T on transcript NM_000360.4 (MANE Select); coding-DNA position 1440, G replaced by T.
Protein change: p.Glu480Asp; replaces glutamic acid 480 with aspartic acid.
Molecular consequence: missense variant.
Genome position (GRCh38, 1-based): chr11:2,164,287, C>A on the plus strand (G>T on the coding strand, the complement: TH is on the minus strand). VCF-style: chr11-2164287-C-A. GRCh37 (hg19) VCF-style: chr11-2185517-C-A.
Other names: c.1533G>T, p.Glu511Asp (NM_199292.3); c.1521G>T, p.Glu507Asp (NM_199293.3); short protein forms E480D, E511D, E507D.
Identifiers: ClinVar variation 1345632 (VCV001345632.3), dbSNP rs1405705464, ClinGen allele CA379124162.

ClinVar aggregate classification (germline): Uncertain significance (1 of 4 stars; one submission).

Conditions:
TH-deficient dopa-responsive dystonia. Also called: Tyrosine Hydroxylase-Deficient Dopa-Responsive Dystonia; Segawa syndrome, autosomal recessive; DYT-TH. Identifiers: Orphanet 101150, MedGen C2673535, MONDO:0011551, OMIM 605407.

Allele frequency attached by ClinVar (database versions not stated): TOPMed 0.00002.

Submission:

Labcorp Genetics (formerly Invitae), Labcorp
Classification: Uncertain significance for TH-deficient dopa-responsive dystonia. Last evaluated: 2021-10-23. Review status: criteria provided, single submitter. Criteria: Invitae Variant Classification Sherloc (09022015). Collection method: clinical testing. Allele origin: germline.
Comment: This sequence change replaces glutamic acid with aspartic acid at codon 511 of the TH protein (p.Glu511Asp). The glutamic acid residue is highly conserved and there is a small physicochemical difference between glutamic acid and aspartic acid. This variant is not present in population databases (ExAC no frequency). This variant has not been reported in the literature in individuals with TH-related conditions. Advanced modeling of protein sequence and biophysical properties (such as structural, functional, and spatial information, amino acid conservation, physicochemical variation, residue mobility, and thermodynamic stability) performed at Invitae indicates that this missense variant is not expected to disrupt TH protein function. In summary, the available evidence is currently insufficient to determine the role of this variant in disease. Therefore, it has been classified as a Variant of Uncertain Significance.